The following is an entry in ClinVar:

ClinVar aggregate classification (germline): Uncertain significance. Review status: criteria provided, multiple submitters, no conflicts (2 of 4 stars). 5 submissions from 5 submitters: Uncertain significance (5). Last evaluated 2025-05-04.

Conditions:
Fanconi anemia complementation group J. Also called: BRIP1-Related Fanconi Anemia. Identifiers: Orphanet 84, MedGen C1836860, MONDO:0012187, OMIM 609054.
Familial cancer of breast. Also called: hereditary breast carcinoma; Hereditary breast cancer; BREAST CANCER, FAMILIAL. Identifiers: Orphanet 227535, MedGen C0346153, MONDO:0016419, OMIM 114480. Disease mechanism: loss of function.
Hereditary cancer-predisposing syndrome. Also called: Hereditary neoplastic syndrome; Hereditary Cancer Syndrome; Neoplastic Syndromes, Hereditary; Tumor predisposition. Identifiers: Orphanet 140162, MedGen C0027672, MeSH D009386, MONDO:0015356.

Allele frequency attached by ClinVar (database versions not stated): gnomAD exomes below 0.00001; gnomAD 0.00001.
gnomAD v4.1: 3 of 1,610,748 alleles (0.00019%); highest among the groups gnomAD compares: South Asian, 0.0011%; no homozygotes.

Submissions (5):

Labcorp Genetics (formerly Invitae), Labcorp
Classification: Uncertain significance for Familial cancer of breast; Fanconi anemia complementation group J. Last evaluated: 2025-05-04. Review status: criteria provided, single submitter. Criteria: Invitae Variant Classification Sherloc (09022015). Collection method: clinical testing. Allele origin: germline.
Comment: This sequence change replaces leucine, which is neutral and non-polar, with serine, which is neutral and polar, at codon 617 of the BRIP1 protein (p.Leu617Ser). This variant is present in population databases (no rsID available, gnomAD 0.0009%). This variant has not been reported in the literature in individuals affected with BRIP1-related conditions. ClinVar contains an entry for this variant (Variation ID: 419768). Invitae Evidence Modeling of protein sequence and biophysical properties (such as structural, functional, and spatial information, amino acid conservation, physicochemical variation, residue mobility, and thermodynamic stability) indicates that this missense variant is expected to disrupt BRIP1 protein function with a positive predictive value of 95%. In summary, the available evidence is currently insufficient to determine the role of this variant in disease. Therefore, it has been classified as a Variant of Uncertain Significance.

Ambry Genetics
Classification: Uncertain significance for Hereditary cancer-predisposing syndrome. Last evaluated: 2024-12-21. Review status: criteria provided, single submitter. Criteria: Ambry Variant Classification Scheme 2023. Collection method: clinical testing. Allele origin: germline.
Comment: The p.L617S variant (also known as c.1850T>C), located in coding exon 12 of the BRIP1 gene, results from a T to C substitution at nucleotide position 1850. The leucine at codon 617 is replaced by serine, an amino acid with dissimilar properties. In one study, this alteration was observed in 0/706 cases with ovarian cancer, 0/6341 cases with breast cancer, and 1/36687 controls (Weber-Lassalle N et al. Breast Cancer Res., 2018 01;20:7). This amino acid position is highly conserved in available vertebrate species. In addition, this alteration is predicted to be deleterious by in silico analysis. Since supporting evidence is limited at this time, the clinical significance of this alteration remains unclear.

Color Diagnostics, LLC DBA Color Health
Classification: Uncertain significance for Hereditary cancer-predisposing syndrome. Last evaluated: 2023-07-25. Review status: criteria provided, single submitter. Criteria: ACMG Guidelines, 2015. Collection method: clinical testing. Allele origin: germline.
Comment: This missense variant replaces leucine with serine at codon 617 of the BRIP1 protein. Computational prediction suggests that this variant may have deleterious impact on protein structure and function (internally defined REVEL score threshold >= 0.7, PMID: 27666373). To our knowledge, functional studies have not been reported for this variant. In a study of 6341 patients affected with breast cancer, 706 patients affected with ovarian cancer, and 2189 geographically matched female controls, this variant reported in 1 control individual but was absent in patients affected with cancer (PMID:29368626). This variant has been identified in 1/251448 chromosomes in the general population by the Genome Aggregation Database (gnomAD). The available evidence is insufficient to determine the role of this variant in disease conclusively. Therefore, this variant is classified as a Variant of Uncertain Significance.

Genetic Services Laboratory, University of Chicago
Classification: Uncertain significance. Last evaluated: 2020-04-21. Review status: criteria provided, single submitter. Criteria: ACMG Guidelines, 2015. Collection method: clinical testing. Allele origin: germline. Affected: no.
Comment: DNA sequence analysis of the BRIP1 gene demonstrated a sequence change, c.1850T>C, in exon 13 that results in an amino acid change, p.Leu617Ser. This sequence change has been described in the gnomAD database with a frequency of 0.0009% in European populations (dbSNP rs1064794095). The p.Leu617Ser change affects a highly conserved amino acid residue located in a domain of the BRIP1 protein that is known to be functional. The p.Leu617Ser substitution appears to be deleterious using several in-silico pathogenicity prediction tools (SIFT, PolyPhen2, Align GVGD, REVEL). This c.1850T>C sequence change has not been reported in the literature in individuals with BRIP1-related disorders. Due to the lack of sufficient data, the clinical significance of the p.Leu617Ser change remains unknown at this time.

GeneDx
Classification: Uncertain significance. Last evaluated: 2017-06-29. Review status: criteria provided, single submitter. Criteria: GeneDx Variant Classification (06012015). Collection method: clinical testing. Allele origin: germline. Affected: yes.
Comment: This variant is denoted BRIP1 c.1850T>C at the cDNA level, p.Leu617Ser (L617S) at the protein level, and results in the change of a Leucine to a Serine (TTA>TCA). This variant has not, to our knowledge, been published in the literature as pathogenic or benign. BRIP1 Leu617Ser was not observed in large population cohorts (NHLBI Exome Sequencing Project, The 1000 Genomes Consortium 2015, Lek 2016). Since Leucine and Serine differ in polarity, charge, size or other properties, this is considered a non-conservative amino acid substitution. BRIP1 Leu617Ser occurs at a position that is conserved across species and is located within the helicase domain III (Cantor 2011). Based on currently available evidence, it is unclear whether BRIP1 Leu617Ser is a pathogenic or benign variant. We consider it to be a variant of uncertain significance.

Literature cited by the submitters: PubMed 29368626 (cited by Ambry Genetics and Color Diagnostics, LLC DBA Color Health).

NM_032043.3(BRIP1):c.1850T>C (p.Leu617Ser)

Gene: BRIP1 (BRCA1 interacting DNA helicase 1; minus strand). Cytogenetic location: 17q23.2.
Variant type: single nucleotide variant.
Coding change: c.1850T>C on transcript NM_032043.3 (MANE Select); coding-DNA position 1850, T replaced by C.
Protein change: p.Leu617Ser; replaces leucine 617 with serine.
Molecular consequence: missense variant.
Genome position (GRCh38, 1-based): chr17:61,780,346, A>G on the plus strand (T>C on the coding strand, the complement: BRIP1 is on the minus strand). VCF-style: chr17-61780346-A-G. GRCh37 (hg19) VCF-style: chr17-59857707-A-G.
Other names: short protein forms L617S.
Identifiers: ClinVar variation 419768 (VCV000419768.21), dbSNP rs1064794095, ClinGen allele CA16620528.
Genomic context (GRCh38, chr17:61,780,346, plus strand): 5'-GCCTCCAGCTGGATAGTAAATGTAACACCAAGTTCTGACGAAAAGGATTTCATTGGTGAT[A>G]ATGTACCAGATGTCAAAACAATGGTCTGAACTTTGCCATTAATATCTGAAAAGGCCTAAA-3'
Protein context (NP_114432.2, residues 607-627): VQTIVLTSGT[Leu617Ser]SPMKSFSSEL